The following is an entry in ClinVar:

NM_133497.4(KCNV2):c.596G>A (p.Cys199Tyr)

Gene: KCNV2 (potassium voltage-gated channel modifier subfamily V member 2; plus strand). Cytogenetic location: 9p24.2.
Variant type: single nucleotide variant.
Coding change: c.596G>A on transcript NM_133497.4 (MANE Select); coding-DNA position 596, G replaced by A.
Protein change: p.Cys199Tyr; replaces cysteine 199 with tyrosine.
Molecular consequence: missense variant.
Genome position (GRCh38, 1-based): chr9:2,718,335, G>A. VCF-style: chr9-2718335-G-A. GRCh37 (hg19) VCF-style: chr9-2718335-G-A.
Other names: short protein forms C199Y.
Identifiers: ClinVar variation 1060876 (VCV001060876.9), dbSNP rs770865610, ClinGen allele CA4965523.
Genomic context (GRCh38, chr9:2,718,335, plus strand): 5'-GCCGCTTCCTGGAGGAGCTGGGCTACTGGGGCGTGCGGCTCAAGTACACGCCACGCTGCT[G>A]CCGCATCTGCTTCGAGGAGCGGCGCGACGAGCTGAGCGAACGGCTCAAGATCCAGCACGA-3'
Protein context (NP_598004.1, residues 189-209): GVRLKYTPRC[Cys199Tyr]RICFEERRDE

ClinVar aggregate classification (germline): Pathogenic (1 of 4 stars; one submission).

Allele frequency attached by ClinVar (database versions not stated): gnomAD exomes below 0.00001.
gnomAD v4.1: 2 of 1,603,802 alleles (0.00012%); highest among the groups gnomAD compares: Admixed American, 0.0034%; no homozygotes.

Submission:

Labcorp Genetics (formerly Invitae), Labcorp
Classification: Pathogenic. Last evaluated: 2025-01-13. Review status: criteria provided, single submitter. Criteria: Invitae Variant Classification Sherloc (09022015). Collection method: clinical testing. Allele origin: germline.
Comment: This sequence change replaces cysteine, which is neutral and slightly polar, with tyrosine, which is neutral and polar, at codon 199 of the KCNV2 protein (p.Cys199Tyr). This variant is present in population databases (rs770865610, gnomAD 0.009%). This missense change has been observed in individual(s) with cone-rod dystrophy (internal data). In at least one individual the data is consistent with being in trans (on the opposite chromosome) from a pathogenic variant. It has also been observed to segregate with disease in related individuals. ClinVar contains an entry for this variant (Variation ID: 1060876). Invitae Evidence Modeling of protein sequence and biophysical properties (such as structural, functional, and spatial information, amino acid conservation, physicochemical variation, residue mobility, and thermodynamic stability) indicates that this missense variant is expected to disrupt KCNV2 protein function with a positive predictive value of 95%. For these reasons, this variant has been classified as Pathogenic.